The following is an entry in ClinVar:

ClinVar aggregate classification (germline): Uncertain significance (1 of 4 stars; one submission).

Conditions:
Hypokalemic periodic paralysis, type 1. Also called: Hypokalemic Periodic Paralysis Type 1 (AD); HypoPP. Identifiers: Orphanet 681, MedGen C3714580, MONDO:0042979, OMIM 170400.
Malignant hyperthermia, susceptibility to, 5 (MHS5). Also called: CACNA1S-Related Malignant Hyperthermia Susceptibility. Identifiers: Orphanet 423, MedGen C1866077, MONDO:0011163, OMIM 601887.

gnomAD v4.1: 1 of 1,614,206 alleles (0.000062%); highest among the groups gnomAD compares: Non-Finnish European, 0.000085%; no homozygotes.

Submission:

Labcorp Genetics (formerly Invitae), Labcorp
Classification: Uncertain significance for Hypokalemic periodic paralysis, type 1; Malignant hyperthermia, susceptibility to, 5. Last evaluated: 2024-10-03. Review status: criteria provided, single submitter. Criteria: Invitae Variant Classification Sherloc (09022015). Collection method: clinical testing. Allele origin: germline.
Comment: This sequence change replaces asparagine, which is neutral and polar, with serine, which is neutral and polar, at codon 1660 of the CACNA1S protein (p.Asn1660Ser). This variant is not present in population databases (gnomAD no frequency). This variant has not been reported in the literature in individuals affected with CACNA1S-related conditions. Invitae Evidence Modeling of protein sequence and biophysical properties (such as structural, functional, and spatial information, amino acid conservation, physicochemical variation, residue mobility, and thermodynamic stability) indicates that this missense variant is not expected to disrupt CACNA1S protein function with a negative predictive value of 95%. In summary, the available evidence is currently insufficient to determine the role of this variant in disease. Therefore, it has been classified as a Variant of Uncertain Significance.

NM_000069.3(CACNA1S):c.4979A>G (p.Asn1660Ser)

Gene: CACNA1S (calcium voltage-gated channel subunit alpha1 S; minus strand). Cytogenetic location: 1q32.1.
Variant type: single nucleotide variant.
Coding change: c.4979A>G on transcript NM_000069.3 (MANE Select); coding-DNA position 4979, A replaced by G.
Protein change: p.Asn1660Ser; replaces asparagine 1660 with serine.
Molecular consequence: missense variant.
Genome position (GRCh38, 1-based): chr1:201,043,350, T>C on the plus strand (A>G on the coding strand, the complement: CACNA1S is on the minus strand). VCF-style: chr1-201043350-T-C. GRCh37 (hg19) VCF-style: chr1-201012478-T-C.
Other names: short protein forms N1660S.
Identifiers: ClinVar variation 3761886 (VCV003761886.2).